The following is an entry in ClinVar:

ClinVar aggregate classification (germline): Uncertain significance (1 of 4 stars; one submission).

Conditions:
Multiple endocrine neoplasia, type 2 (MEN2). Identifiers: Orphanet 653, MedGen C4048306, MONDO:0019003. Disease mechanism: gain of function.

Submission:

Labcorp Genetics (formerly Invitae), Labcorp
Classification: Uncertain significance for Multiple endocrine neoplasia, type 2. Last evaluated: 2025-12-09. Review status: criteria provided, single submitter. Criteria: Invitae Variant Classification Sherloc (09022015). Collection method: clinical testing. Allele origin: germline.
Comment: This sequence change replaces leucine, which is neutral and non-polar, with arginine, which is basic and polar, at codon 80 of the RET protein (p.Leu80Arg). This variant is not present in population databases (gnomAD no frequency). This variant has not been reported in the literature in individuals affected with RET-related conditions. An algorithm developed to predict the effect of missense changes on protein structure and function (PolyPhen-2) suggests that this variant is likely to be disruptive. In summary, the available evidence is currently insufficient to determine the role of this variant in disease. Therefore, it has been classified as a Variant of Uncertain Significance.

NM_020975.6(RET):c.239T>G (p.Leu80Arg)

Gene: RET (ret proto-oncogene; plus strand). Cytogenetic location: 10q11.21.
Variant type: single nucleotide variant.
Coding change: c.239T>G on transcript NM_020975.6 (MANE Select); coding-DNA position 239, T replaced by G.
Protein change: p.Leu80Arg; replaces leucine 80 with arginine.
Molecular consequence: missense variant. On other transcripts: intron variant (4).
Genome position (GRCh38, 1-based): chr10:43,100,624, T>G. VCF-style: chr10-43100624-T-G. GRCh37 (hg19) VCF-style: chr10-43596072-T-G.
Other names: c.239T>G, p.Leu80Arg (NM_001406743.1, NM_001406744.1, NM_001406759.1 and 32 more transcripts); c.74-8407T>G (NM_001406784.1); c.74-11475T>G (NM_001406794.1, NM_001406792.1, NM_001406793.1); short protein forms L80R.
Identifiers: ClinVar variation 4732835 (VCV004732835.1).
Genomic context (GRCh38, chr10:43,100,624, plus strand): 5'-CTGAGGAGGTGCCCAGCTTCCGCCTGGGCCAGCATCTCTACGGCACGTACCGCACACGGC[T>G]GCATGAGAACAACTGGATCTGCATCCAGGAGGACACCGGCCTCCTCTACCTTAACCGGAG-3'
Protein context (NP_066124.1, residues 70-90): QHLYGTYRTR[Leu80Arg]HENNWICIQE